The following is an entry in ClinVar:

NM_014476.6(PDLIM3):c.659T>A (p.Met220Lys)

Gene: PDLIM3 (PDZ and LIM domain 3; minus strand). Cytogenetic location: 4q35.1.
Variant type: single nucleotide variant.
Coding change: c.659T>A on transcript NM_014476.6 (MANE Select); coding-DNA position 659, T replaced by A.
Protein change: p.Met220Lys; replaces methionine 220 with lysine.
Molecular consequence: missense variant. On other transcripts: intron variant (3).
Genome position (GRCh38, 1-based): chr4:185,508,302, A>T on the plus strand (T>A on the coding strand, the complement: PDLIM3 is on the minus strand). VCF-style: chr4-185508302-A-T. GRCh37 (hg19) VCF-style: chr4-186429456-A-T.
Other names: c.162-1650T>A (NM_001257963.2); c.399-1650T>A (NM_001257962.2); c.519-1650T>A (NM_001114107.5); short protein forms M220K.
Identifiers: ClinVar variation 1483994 (VCV001483994.8), dbSNP rs375743721, ClinGen allele CA3159748.

ClinVar aggregate classification (germline): Uncertain significance. Review status: criteria provided, multiple submitters, no conflicts (2 of 4 stars). 2 submissions from 2 submitters: Uncertain significance (2). Last evaluated 2024-10-16.

Conditions:
Hypertrophic cardiomyopathy. Also called: HYPERTROPHIC MYOCARDIOPATHY. Identifiers: Orphanet 217569, MedGen C0007194, MeSH D002312, MONDO:0005045, HP:0001639.
Primary dilated cardiomyopathy (DCM). Also called: Dilated Cardiomyopathy. Identifiers: Orphanet 217604, MedGen C0007193, MeSH D002311, MONDO:0005021, HP:0001644. Inheritance: Various modes of inheritance.

Allele frequency attached by ClinVar (database versions not stated): ExAC 0.00002; ESP Exome Variant Server 0.00008.
gnomAD v4.1: 14 of 1,613,890 alleles (0.00087%); highest among the groups gnomAD compares: Non-Finnish European, 0.0011%; no homozygotes.

Submissions (2):

Labcorp Genetics (formerly Invitae), Labcorp
Classification: Uncertain significance for Hypertrophic cardiomyopathy; Primary dilated cardiomyopathy. Last evaluated: 2024-10-16. Review status: criteria provided, single submitter. Criteria: Invitae Variant Classification Sherloc (09022015). Collection method: clinical testing. Allele origin: germline.
Comment: This sequence change replaces methionine, which is neutral and non-polar, with lysine, which is basic and polar, at codon 220 of the PDLIM3 protein (p.Met220Lys). This variant is present in population databases (rs375743721, gnomAD 0.002%). This variant has not been reported in the literature in individuals affected with PDLIM3-related conditions. ClinVar contains an entry for this variant (Variation ID: 1483994). Invitae Evidence Modeling of protein sequence and biophysical properties (such as structural, functional, and spatial information, amino acid conservation, physicochemical variation, residue mobility, and thermodynamic stability) indicates that this missense variant is not expected to disrupt PDLIM3 protein function with a negative predictive value of 80%. In summary, the available evidence is currently insufficient to determine the role of this variant in disease. Therefore, it has been classified as a Variant of Uncertain Significance.

Ambry Genetics
Classification: Uncertain significance. Last evaluated: 2022-05-11. Review status: criteria provided, single submitter. Criteria: Ambry Variant Classification Scheme 2023. Collection method: clinical testing. Allele origin: germline.